The following is an entry in ClinVar:

ClinVar aggregate classification (germline): Conflicting classifications of pathogenicity. Review status: criteria provided, conflicting classifications (1 of 4 stars). 19 submissions from 18 submitters: Uncertain significance (11); Likely benign (5). 3 of the submissions do not count toward it. Last evaluated 2026-01-26.

Conditions:
Cardiovascular phenotype. Identifiers: MedGen CN230736.
Hypertrophic cardiomyopathy 4. Also called: Familial hypertrophic cardiomyopathy 4. Identifiers: MedGen C1861862, MONDO:0007268, OMIM 115197.
Left ventricular noncompaction 10 (LVNC10). Identifiers: Orphanet 154, Orphanet 54260, MedGen C3715165, MONDO:0014163, OMIM 615396.
Cardiomyopathy (CMYO). Also called: Cardiomyopathies. Identifiers: Orphanet 167848, MedGen C0878544, MONDO:0004994, HP:0001638. Inheritance: Various modes of inheritance.
Primary familial hypertrophic cardiomyopathy (HCM). Identifiers: Orphanet 99739, MedGen C0949658, MeSH D024741, MONDO:0024573. Inheritance: Various modes of inheritance.
Hypertrophic cardiomyopathy. Also called: HYPERTROPHIC MYOCARDIOPATHY. Identifiers: Orphanet 217569, MedGen C0007194, MeSH D002312, MONDO:0005045, HP:0001639.

Allele frequency attached by ClinVar (database versions not stated): gnomAD exomes 0.00013 and 0.00024; TOPMed 0.00014; gnomAD 0.00022 and 0.00024; ESP Exome Variant Server 0.00023; ExAC 0.00026.
gnomAD v4.1: 375 of 1,601,734 alleles (0.023%); highest among the groups gnomAD compares: Non-Finnish European, 0.03%; no homozygotes.

Submissions 1 to 12 of 19:

Labcorp Genetics (formerly Invitae), Labcorp
Classification: Uncertain significance for Hypertrophic cardiomyopathy. Last evaluated: 2026-01-26. Review status: criteria provided, single submitter. Criteria: Invitae Variant Classification Sherloc (09022015). Collection method: clinical testing. Allele origin: germline.
Comment: This sequence change replaces threonine, which is neutral and polar, with proline, which is neutral and non-polar, at codon 62 of the MYBPC3 protein (p.Thr62Pro). This variant is present in population databases (rs377225516, gnomAD 0.03%), and has an allele count higher than expected for a pathogenic variant. This missense change has been observed in individual(s) with MYBPC3-related conditions (PMID: 20624503, 32841044, 37652022, 37937776). ClinVar contains an entry for this variant (Variation ID: 42577). An algorithm developed to predict the effect of missense changes on protein structure and function (PolyPhen-2) suggests that this variant is likely to be tolerated. In summary, the available evidence is currently insufficient to determine the role of this variant in disease. Therefore, it has been classified as a Variant of Uncertain Significance.

Ambry Genetics
Classification: Uncertain significance for Cardiovascular phenotype. Last evaluated: 2025-05-02. Review status: criteria provided, single submitter. Criteria: Ambry Variant Classification Scheme 2023. Collection method: clinical testing. Allele origin: germline.
Comment: The p.T62P variant (also known as c.184A>C), located in coding exon 2 of the MYBPC3 gene, results from an A to C substitution at nucleotide position 184. The threonine at codon 62 is replaced by proline, an amino acid with highly similar properties. This alteration has been reported in hypertrophic cardiomyopathy (HCM) cohorts; however, clinical details were limited (Millat G et al. Eur J Med Genet., 2010 Jul;53:261-7; Alfares AA et al. Genet Med, 2015 Nov;17:880-8). This amino acid position is poorly conserved in available vertebrate species. In addition, the in silico prediction for this alteration is inconclusive. Since supporting evidence is limited at this time, the clinical significance of this alteration remains unclear.

Color Diagnostics, LLC DBA Color Health
Classification: Likely benign for Cardiomyopathy. Last evaluated: 2025-04-10. Review status: criteria provided, single submitter. Criteria: ACMG Guidelines, 2015. Collection method: clinical testing. Allele origin: germline.

Women's Health and Genetics/Laboratory Corporation of America, LabCorp
Classification: Uncertain significance. Last evaluated: 2024-10-21. Review status: criteria provided, single submitter. Criteria: LabCorp Variant Classification Summary - May 2015. Collection method: clinical testing. Allele origin: germline.
Comment: Variant summary: MYBPC3 c.184A>C (p.Thr62Pro) results in a non-conservative amino acid change located in the Immunoglobulin subtype 2 domain of the encoded protein sequence. Four of five in-silico tools predict a benign effect of the variant on protein function. The variant allele was found at a frequency of 0.00013 in 484494 control chromosomes. This frequency is not significantly higher than estimated for a pathogenic variant in MYBPC3 causing Cardiomyopathy (0.00013 vs 0.001), allowing no conclusion about variant significance. c.184A>C has been reported in the literature in individuals affected with Cardiomyopathy (example: Millat_2010). These report(s) do not provide unequivocal conclusions about association of the variant with Cardiomyopathy. To our knowledge, no experimental evidence demonstrating an impact on protein function has been reported. The following publications have been ascertained in the context of this evaluation (PMID: 23299917, 22958901, 24055113, 25637381, 37937776, 37652022, 20800588, 20624503, 38489124). ClinVar contains an entry for this variant (Variation ID: 42577). Based on the evidence outlined above, the variant was classified as uncertain significance.

Blueprint Genetics
Classification: Likely benign. Last evaluated: 2024-06-13. Review status: criteria provided, single submitter. Criteria: ACMG Guidelines, 2015. Collection method: clinical testing. Allele origin: germline.

All of Us Research Program, National Institutes of Health
Classification: Uncertain significance for Hypertrophic cardiomyopathy. Last evaluated: 2024-01-11. Review status: criteria provided, single submitter. Criteria: ACMG Guidelines, 2015. Collection method: clinical testing. Allele origin: germline. Inheritance: Autosomal dominant inheritance. Observed: 43 variant alleles, 43 heterozygotes.
Comment: This missense variant replaces threonine with proline at codon 62 of the MYBPC3 protein. Computational prediction suggests that this variant may not impact protein structure and function (internally defined REVEL score threshold <= 0.5, PMID: 27666373). To our knowledge, functional studies have not been reported for this variant. This variant has been reported in individuals affected with hypertrophic cardiomyopathy (PMID: 20624503, 32841044). This variant has been identified in 39/259624 chromosomes in the general population by the Genome Aggregation Database (gnomAD). The available evidence is insufficient to determine the role of this variant in disease conclusively. Therefore, this variant is classified as a Variant of Uncertain Significance.

This study involves interpretation of variants in research participants for the purpose of population health screening. Participant phenotype was not available at the time of variant classification. Additional details can be found in publication PMID: 35346344, PMCID: PMC8962531

GeneDx
Classification: Likely benign. Last evaluated: 2023-06-22. Review status: criteria provided, single submitter. Criteria: GeneDx Variant Classification Process June 2021. Collection method: clinical testing. Allele origin: germline. Affected: yes.
Comment: See Variant Classification Assertion Criteria.

Revvity Omics, Revvity
Classification: Uncertain significance. Last evaluated: 2021-12-06. Review status: criteria provided, single submitter. Criteria: ACMG Guidelines, 2015. Collection method: clinical testing. Allele origin: germline.

CHEO Genetics Diagnostic Laboratory, Children's Hospital of Eastern Ontario
Classification: Likely benign for Cardiomyopathy. Last evaluated: 2020-06-09. Review status: criteria provided, single submitter. Criteria: ACMG Guidelines, 2015. Collection method: clinical testing. Allele origin: germline.

Illumina Laboratory Services, Illumina
Classification: Uncertain significance for Hypertrophic cardiomyopathy 4. Last evaluated: 2019-03-11. Review status: criteria provided, single submitter. Criteria: ICSL Variant Classification Criteria 13 December 2019. Collection method: clinical testing. Allele origin: germline.
Comment: This variant was observed as part of a predisposition screen in an ostensibly healthy population. A literature search was performed for the gene, cDNA change, and amino acid change (where applicable). Publications were found based on this search. However, the evidence from the literature, in combination with allele frequency data from public databases where available, was not sufficient to rule this variant in or out of causing disease. Therefore, this variant is classified as a variant of unknown significance.

Illumina Laboratory Services, Illumina
Classification: Likely benign for Left ventricular noncompaction 10. Last evaluated: 2019-03-11. Review status: criteria provided, single submitter. Criteria: ICSL Variant Classification Criteria 13 December 2019. Collection method: clinical testing. Allele origin: germline.
Comment: This variant was observed as part of a predisposition screen in an ostensibly healthy population. A literature search was performed for the gene, cDNA change, and amino acid change (where applicable). No publications were found based on this search. Allele frequency data from public databases allowed determination this variant is unlikely to cause disease. Therefore, this variant is classified as likely benign.

Fulgent Genetics
Classification: Uncertain significance for Hypertrophic cardiomyopathy 4; Left ventricular noncompaction 10. Last evaluated: 2018-10-31. Review status: criteria provided, single submitter. Criteria: ACMG Guidelines, 2015. Collection method: clinical testing. Allele origin: unknown.

NM_000256.3(MYBPC3):c.184A>C (p.Thr62Pro)

Gene: MYBPC3 (myosin binding protein C3; minus strand). Cytogenetic location: 11p11.2.
Variant type: single nucleotide variant.
Coding change: c.184A>C on transcript NM_000256.3 (MANE Select); coding-DNA position 184, A replaced by C.
Protein change: p.Thr62Pro; replaces threonine 62 with proline.
Molecular consequence: missense variant.
Genome position (GRCh38, 1-based): chr11:47,351,347, T>G on the plus strand (A>C on the coding strand, the complement: MYBPC3 is on the minus strand). VCF-style: chr11-47351347-T-G. GRCh37 (hg19) VCF-style: chr11-47372898-T-G.
Other names: short protein forms T62P.
Identifiers: ClinVar variation 42577 (VCV000042577.48), dbSNP rs377225516, ClinGen allele CA011327.
Genomic context (GRCh38, chr11:47,351,347, plus strand): 5'-TGACTGCGTAAGATCCCTGGTCGGCAGGGCCCACTTCCCGCACTGTCAGCGTATGCCGTG[T>G]GCCCTCTGTGGCCAGGCCGTACTTGTTGCTGGCGCTGATGTCACTGCCTCCGCGCTGCCA-3'
Protein context (NP_000247.2, residues 52-72): SNKYGLATEG[Thr62Pro]RHTLTVREVG